The following is an entry in ClinVar:

NM_203447.4(DOCK8):c.1891G>C (p.Val631Leu)

Gene: DOCK8 (dedicator of cytokinesis 8; plus strand). Cytogenetic location: 9p24.3.
Variant type: single nucleotide variant.
Coding change: c.1891G>C on transcript NM_203447.4 (MANE Select); coding-DNA position 1891, G replaced by C.
Protein change: p.Val631Leu; replaces valine 631 with leucine.
Molecular consequence: missense variant.
Genome position (GRCh38, 1-based): chr9:371,450, G>C. VCF-style: chr9-371450-G-C. GRCh37 (hg19) VCF-style: chr9-371450-G-C.
Other names: c.1687G>C, p.Val563Leu (NM_001190458.2, NM_001193536.2); short protein forms V631L, V563L.
Identifiers: ClinVar variation 2887016 (VCV002887016.1), dbSNP rs750398463, ClinGen allele CA4957996.

ClinVar aggregate classification (germline): Uncertain significance (1 of 4 stars; one submission).

Conditions:
Hyper-IgE recurrent infection syndrome 3, autosomal recessive. Also called: Autosomal recessive hyper-IgE syndrome due to ZNF341 deficiency; HYPER-IgE SYNDROME 3, AUTOSOMAL RECESSIVE, WITH RECURRENT INFECTIONS. Identifiers: Orphanet 641368, MedGen C4748969, MONDO:0032654, OMIM 618282.

Allele frequency attached by ClinVar (database versions not stated): gnomAD 0.00001; gnomAD exomes 0.00001; ExAC 0.00002; TOPMed 0.00003.
gnomAD v4.1: 10 of 1,614,084 alleles (0.00062%); highest among the groups gnomAD compares: Admixed American, 0.015%; no homozygotes.

Submission:

Labcorp Genetics (formerly Invitae), Labcorp
Classification: Uncertain significance for Combined immunodeficiency due to DOCK8 deficiency. Last evaluated: 2023-12-28. Review status: criteria provided, single submitter. Criteria: Invitae Variant Classification Sherloc (09022015). Collection method: clinical testing. Allele origin: germline.
Comment: This sequence change replaces valine, which is neutral and non-polar, with leucine, which is neutral and non-polar, at codon 631 of the DOCK8 protein (p.Val631Leu). This variant is present in population databases (rs750398463, gnomAD 0.03%). This variant has not been reported in the literature in individuals affected with DOCK8-related conditions. Advanced modeling of protein sequence and biophysical properties (such as structural, functional, and spatial information, amino acid conservation, physicochemical variation, residue mobility, and thermodynamic stability) has been performed at Invitae for this missense variant, however the output from this modeling did not meet the statistical confidence thresholds required to predict the impact of this variant on DOCK8 protein function. In summary, the available evidence is currently insufficient to determine the role of this variant in disease. Therefore, it has been classified as a Variant of Uncertain Significance.